The following is an entry in ClinVar:

ClinVar aggregate classification (germline): Uncertain significance (1 of 4 stars; one submission).

Conditions:
Familial melanoma. Also called: Hereditary melanoma; Hereditary cutaneous melanoma. Identifiers: Orphanet 618, MedGen C1512419, MONDO:0018961.

Submission:

Labcorp Genetics (formerly Invitae), Labcorp
Classification: Uncertain significance for Familial melanoma. Last evaluated: 2019-07-04. Review status: criteria provided, single submitter. Criteria: Invitae Variant Classification Sherloc (09022015). Collection method: clinical testing. Allele origin: germline.
Comment: The CDKN2A gene encodes two different proteins, p16INK4a and p14ARF, which are translated from alternative transcripts that have different open reading frames. In summary, the available evidence is currently insufficient to determine the role of this variant in disease. Therefore, it has been classified as a Variant of Uncertain Significance. Algorithms developed to predict the effect of missense changes on protein structure and function (SIFT, PolyPhen-2, Align-GVGD) all suggest that p.His66Asp in p16INK4a is likely to be disruptive. These same algorithms all suggest that p.Pro80Arg in p14ARF is likely to be tolerated. These predictions have not been confirmed by published functional studies and their clinical significance is uncertain. This variant has not been reported in the literature in individuals with CDKN2A (p16INK4a)-related conditions. This variant is not present in population databases (ExAC no frequency). This sequence change replaces histidine with aspartic acid at codon 66 of the CDKN2A (p16INK4a) protein (p.His66Asp). The histidine residue is highly conserved and there is a moderate physicochemical difference between histidine and aspartic acid. Alternatively, this sequence change replaces proline with arginine at codon 80 of the CDKN2A (p14ARF) protein (p.Pro80Arg). The proline residue is moderately conserved and there is a moderate physicochemical difference between proline and arginine.

NM_000077.5(CDKN2A):c.196C>G (p.His66Asp)

Gene: CDKN2A (cyclin dependent kinase inhibitor 2A; minus strand). Cytogenetic location: 9p21.3.
Variant type: single nucleotide variant.
Coding change: c.196C>G on transcript NM_000077.5; coding-DNA position 196, C replaced by G.
Protein change: p.His66Asp; replaces histidine 66 with aspartic acid.
Molecular consequence: missense variant (on NM_000077.6). On other transcripts: 3 prime UTR variant (1).
Genome position (GRCh38, 1-based): chr9:21,971,163, G>C on the plus strand (C>G on the coding strand, the complement: CDKN2A is on the minus strand). VCF-style: chr9-21971163-G-C. GRCh37 (hg19) VCF-style: chr9-21971162-G-C.
Other names: c.196C>G, p.His66Asp (NM_000077.6, NM_001195132.2); c.43C>G, p.His15Asp (NM_001363763.2); c.239C>G, p.Pro80Arg (NM_058195.4); c.*119C>G (NM_058197.5); short protein forms H15D, H66D, P80R.
Identifiers: ClinVar variation 969054 (VCV000969054.10), dbSNP rs1819720314, ClinGen allele CA373086353.